The following is an entry in ClinVar:

ClinVar aggregate classification (germline): Uncertain significance (1 of 4 stars; one submission).

Conditions:
Juvenile polyposis syndrome (JPS). Identifiers: Orphanet 2929, MedGen C0345893, MONDO:0017380, OMIM 174900.

Submission:

Labcorp Genetics (formerly Invitae), Labcorp
Classification: Uncertain significance for Juvenile polyposis syndrome. Last evaluated: 2024-11-12. Review status: criteria provided, single submitter. Criteria: Invitae Variant Classification Sherloc (09022015). Collection method: clinical testing. Allele origin: germline.
Comment: This sequence change replaces phenylalanine, which is neutral and non-polar, with leucine, which is neutral and non-polar, at codon 263 of the BMPR1A protein (p.Phe263Leu). This variant is not present in population databases (gnomAD no frequency). This variant has not been reported in the literature in individuals affected with BMPR1A-related conditions. ClinVar contains an entry for this variant (Variation ID: 2088848). Invitae Evidence Modeling of protein sequence and biophysical properties (such as structural, functional, and spatial information, amino acid conservation, physicochemical variation, residue mobility, and thermodynamic stability) has been performed for this missense variant. However, the output from this modeling did not meet the statistical confidence thresholds required to predict the impact of this variant on BMPR1A protein function. In summary, the available evidence is currently insufficient to determine the role of this variant in disease. Therefore, it has been classified as a Variant of Uncertain Significance.

NM_004329.3(BMPR1A):c.787T>C (p.Phe263Leu)

Gene: BMPR1A (bone morphogenetic protein receptor type 1A; plus strand). Cytogenetic location: 10q23.2.
Variant type: single nucleotide variant.
Coding change: c.787T>C on transcript NM_004329.3 (MANE Select); coding-DNA position 787, T replaced by C.
Protein change: p.Phe263Leu; replaces phenylalanine 263 with leucine.
Molecular consequence: missense variant.
Genome position (GRCh38, 1-based): chr10:86,917,245, T>C. VCF-style: chr10-86917245-T-C. GRCh37 (hg19) VCF-style: chr10-88677002-T-C.
Other names: c.862T>C, p.Phe288Leu (NM_001406559.1); c.835T>C, p.Phe279Leu (NM_001406560.1); c.787T>C, p.Phe263Leu (NM_001406561.1, NM_001406562.1, NM_001406563.1 and 19 more transcripts); c.781T>C, p.Phe261Leu (NM_001406583.1); c.703T>C, p.Phe235Leu (NM_001406584.1, NM_001406585.1, NM_001406586.1 and 2 more transcripts); c.445T>C, p.Phe149Leu (NM_001406589.1); short protein forms F149L, F279L, F288L, F261L, F235L, F263L.
Identifiers: ClinVar variation 2088848 (VCV002088848.4), dbSNP rs2539604272, ClinGen allele CA377458088.
Genomic context (GRCh38, chr10:86,917,245, plus strand): 5'-GGCCGATATGGAGAAGTATGGATGGGCAAATGGCGTGGCGAAAAAGTGGCGGTGAAAGTA[T>C]TCTTTACCACTGAAGAAGCCAGCTGGTTTCGAGAAACAGAAATCTACCAAACTGTGCTAA-3'
Protein context (NP_004320.2, residues 253-273): WRGEKVAVKV[Phe263Leu]FTTEEASWFR